The following is an entry in ClinVar:

NM_024426.6(WT1):c.1426del (p.Arg476fs)

Gene: WT1 (WT1 transcription factor; minus strand). Cytogenetic location: 11p13.
Variant type: Deletion.
Coding change: c.1426del on transcript NM_024426.6 (MANE Select); coding-DNA position 1426, one base deleted (A; older notation c.1426delA).
Protein change: p.Arg476fs; shifts the reading frame from arginine 476.
Molecular consequence: frameshift variant. On other transcripts: non-coding transcript variant (2), intron variant (2).
Genome position (GRCh38, 1-based): chr11:32,391,993, T deleted on the plus strand (A on the coding strand, the reverse complement: WT1 is on the minus strand). VCF-style (leftmost placement, unchanged base first): chr11-32391992-CT-C. GRCh37 (hg19) VCF-style: chr11-32413538-CT-C.
Other names: c.1375del, p.Arg459fs (NM_000378.6, NM_001407045.1); c.775del, p.Arg259fs (NM_001198551.2); c.724del, p.Arg242fs (NM_001198552.2); c.238del, p.Arg80fs (NM_001367854.1); c.1420del, p.Arg474fs (NM_001407044.1); c.1303del, p.Arg435fs (NM_001407047.1); c.1285del, p.Arg429fs (NM_001407048.1); c.1252del, p.Arg418fs (NM_001407050.1); and 6 more; short protein forms R222fs, R242fs, R259fs, R386fs, R403fs, R418fs, R429fs, R435fs.
Identifiers: ClinVar variation 3377814 (VCV003377814.1).

ClinVar aggregate classification (germline): Likely pathogenic (1 of 4 stars; one submission).

Conditions:
Wilms tumor 1 (WT1). Also called: Wilms tumor, somatic. Identifiers: Orphanet 654, MedGen CN033288, MONDO:0008679, OMIM 194070.

Submission:

St. Jude Molecular Pathology, St. Jude Children's Research Hospital
Classification: Likely pathogenic for Wilms tumor 1. Last evaluated: 2024-06-03. Review status: criteria provided, single submitter. Criteria: St. Jude Assertion Criteria 2020. Collection method: clinical testing. Allele origin: germline. Affected: yes.
Comment: The WT1 c.1375del (p.Arg459GlyfsTer26) change deletes 1 nucleotide in exon 8 of the WT1 gene to cause a frameshift and the creation of a premature stop codon. This change is predicted to cause premature protein truncation. This variant is absent in gnomAD v2.1.1. In summary, this variant meets criteria to be classified as likely pathogenic.